The following is an entry in ClinVar:

NM_001267727.2(ARSG):c.1303+1G>A

Gene: ARSG (arylsulfatase G; plus strand). Cytogenetic location: 17q24.2.
Variant type: single nucleotide variant.
Coding change: c.1303+1G>A on transcript NM_001267727.2 (MANE Select); the canonical splice donor site of the intron after coding-DNA position 1303, G replaced by A.
Molecular consequence: splice donor variant.
Genome position (GRCh38, 1-based): chr17:68,401,451, G>A. VCF-style: chr17-68401451-G-A. GRCh37 (hg19) VCF-style: chr17-66397592-G-A.
Other names: c.1303+1G>A (NM_001352902.2, NM_001352901.2, NM_014960.5 and 3 more transcripts); c.1300+1G>A (NM_001352904.2, NM_001352903.2, NM_001352905.2 and 2 more transcripts); c.1255+1G>A (NM_001352909.2).
Identifiers: ClinVar variation 2096527 (VCV002096527.4), dbSNP rs2509620338, ClinGen allele CA400748522.

ClinVar aggregate classification (germline): Pathogenic (1 of 4 stars; one submission).

Allele frequency attached by ClinVar (database versions not stated): gnomAD exomes below 0.00001.
gnomAD v4.1: 1 of 1,613,610 alleles (0.000062%); highest among the groups gnomAD compares: Non-Finnish European, 0.000085%; no homozygotes.

Submission:

Labcorp Genetics (formerly Invitae), Labcorp
Classification: Pathogenic. Last evaluated: 2024-04-17. Review status: criteria provided, single submitter. Criteria: Invitae Variant Classification Sherloc (09022015). Collection method: clinical testing. Allele origin: germline.
Comment: This sequence change affects a donor splice site in intron 11 of the ARSG gene. While this variant is not anticipated to result in nonsense mediated decay, it likely alters RNA splicing and results in a disrupted protein product. This variant is not present in population databases (gnomAD no frequency). This variant has not been reported in the literature in individuals affected with ARSG-related conditions. ClinVar contains an entry for this variant (Variation ID: 2096527). Variants that disrupt the consensus splice site are a relatively common cause of aberrant splicing (PMID: 17576681, 9536098). Algorithms developed to predict the effect of sequence changes on RNA splicing suggest that this variant may disrupt the consensus splice site. This variant disrupts a region of the ARSG protein in which other variant(s) (p.Ser443Alafs*12) have been determined to be pathogenic (PMID: 33300174; Invitae). This suggests that this is a clinically significant region of the protein, and that variants that disrupt it are likely to be disease-causing. For these reasons, this variant has been classified as Pathogenic.

Literature cited by the submitters: PubMed 17576681; PubMed 9536098; PubMed 33300174.